The following is an entry in ClinVar:

ClinVar aggregate classification (germline): Pathogenic. Review status: criteria provided, single submitter (1 of 4 stars). 2 submissions from 2 submitters: Pathogenic (1). 1 of the submissions does not count toward it. Last evaluated 2022-07-14.

Conditions:
DNAH9-related disorder. Also called: DNAH9-related condition.

Allele frequency attached by ClinVar (database versions not stated): gnomAD exomes below 0.00001; TOPMed below 0.00001.

Submissions (2):

Labcorp Genetics (formerly Invitae), Labcorp
Classification: Pathogenic. Last evaluated: 2022-07-14. Review status: criteria provided, single submitter. Criteria: Invitae Variant Classification Sherloc (09022015). Collection method: clinical testing. Allele origin: germline.
Comment: For these reasons, this variant has been classified as Pathogenic. This variant has not been reported in the literature in individuals affected with DNAH9-related conditions. This variant is not present in population databases (gnomAD no frequency). This sequence change creates a premature translational stop signal (p.Leu2651Thrfs*60) in the DNAH9 gene. It is expected to result in an absent or disrupted protein product. Loss-of-function variants in DNAH9 are known to be pathogenic (PMID: 30471718).

PreventionGenetics, part of Exact Sciences
Classification: Likely pathogenic for DNAH9-related condition. Last evaluated: 2024-08-23. Review status: no assertion criteria provided. Collection method: clinical testing. Allele origin: germline. Not counted in ClinVar's aggregate classification.
Comment: The DNAH9 c.7950dupA variant is predicted to result in a frameshift and premature protein termination (p.Leu2651Thrfs*60). To our knowledge, this variant has not been reported in the literature or in a large population database, indicating this variant is rare. Frameshift variants in DNAH9 are expected to be pathogenic. This variant is interpreted as likely pathogenic.

Literature cited by the submitters: PubMed 30471718 (cited by Labcorp Genetics (formerly Invitae), Labcorp).

NM_001372.4(DNAH9):c.7950dup (p.Leu2651fs)

Gene: DNAH9 (dynein axonemal heavy chain 9; plus strand). Cytogenetic location: 17p12.
Variant type: Duplication.
Coding change: c.7950dup on transcript NM_001372.4 (MANE Select); coding-DNA position 7950, one base duplicated (A; older notation c.7950dupA).
Protein change: p.Leu2651fs; shifts the reading frame from leucine 2651.
Molecular consequence: frameshift variant.
Genome position (GRCh38, 1-based): chr17:11,784,428, A duplicated. VCF-style (leftmost placement, unchanged base first): chr17-11784427-C-CA. GRCh37 (hg19) VCF-style: chr17-11687744-C-CA.
Other names: c.7950dupA (NM_001372.3); short protein forms L2651fs.
Identifiers: ClinVar variation 1963108 (VCV001963108.6), dbSNP rs1968784029, ClinGen allele CA2247851602.